The following is an entry in ClinVar:

ClinVar aggregate classification (germline): Uncertain significance. Review status: criteria provided, multiple submitters, no conflicts (2 of 4 stars). 2 submissions from 2 submitters: Uncertain significance (2). Last evaluated 2025-09-10.

Conditions:
Epileptic encephalopathy. Identifiers: MedGen C0543888, HP:0200134.

gnomAD v4.1: 9 of 1,605,856 alleles (0.00056%); highest among the groups gnomAD compares: Non-Finnish European, 0.00076%; no homozygotes.

Submissions (2):

Ambry Genetics
Classification: Uncertain significance. Last evaluated: 2025-09-10. Review status: criteria provided, single submitter. Criteria: Ambry Variant Classification Scheme 2023. Collection method: clinical testing. Allele origin: germline.

Labcorp Genetics (formerly Invitae), Labcorp
Classification: Uncertain significance for Epileptic encephalopathy. Last evaluated: 2022-07-26. Review status: criteria provided, single submitter. Criteria: Invitae Variant Classification Sherloc (09022015). Collection method: clinical testing. Allele origin: germline.
Comment: In summary, the available evidence is currently insufficient to determine the role of this variant in disease. Therefore, it has been classified as a Variant of Uncertain Significance. This sequence change replaces proline, which is neutral and non-polar, with leucine, which is neutral and non-polar, at codon 1870 of the RYR3 protein (p.Pro1870Leu). This variant is not present in population databases (gnomAD no frequency). This variant has not been reported in the literature in individuals affected with RYR3-related conditions. ClinVar contains an entry for this variant (Variation ID: 1060228). Algorithms developed to predict the effect of missense changes on protein structure and function (SIFT, PolyPhen-2, Align-GVGD) all suggest that this variant is likely to be disruptive.

NM_001036.6(RYR3):c.5609C>T (p.Pro1870Leu)

Gene: RYR3 (ryanodine receptor 3; plus strand). Cytogenetic location: 15q14.
Variant type: single nucleotide variant.
Coding change: c.5609C>T on transcript NM_001036.6 (MANE Select); coding-DNA position 5609, C replaced by T.
Protein change: p.Pro1870Leu; replaces proline 1870 with leucine.
Molecular consequence: missense variant.
Genome position (GRCh38, 1-based): chr15:33,663,727, C>T. VCF-style: chr15-33663727-C-T. GRCh37 (hg19) VCF-style: chr15-33955928-C-T.
Other names: c.5609C>T, p.Pro1870Leu (NM_001243996.4); c.5609C>T (NM_001036.3); short protein forms P1870L.
Identifiers: ClinVar variation 1060228 (VCV001060228.10), dbSNP rs753308511, ClinGen allele CA391575274.
Genomic context (GRCh38, chr15:33,663,727, plus strand): 5'-AGGCCCTGAACATGTCTGCGGCCCTGACTGCCCGGAAGACCAAGGAGTTCCGCTCACCCC[C>T]ACAGGAGCAGGTGAGGGTCCTTCCTGAGCCTCTGTCCAGTTCCTATGGAAGAACTTGAGA-3'
Protein context (NP_001027.3, residues 1860-1880): ARKTKEFRSP[Pro1870Leu]QEQINMLLNF